The following is an entry in ClinVar:

ClinVar aggregate classification (germline): Uncertain significance (1 of 4 stars; one submission).

Submission:

Labcorp Genetics (formerly Invitae), Labcorp
Classification: Uncertain significance. Last evaluated: 2023-05-22. Review status: criteria provided, single submitter. Criteria: Invitae Variant Classification Sherloc (09022015). Collection method: clinical testing. Allele origin: germline.
Comment: This variant is not present in population databases (gnomAD no frequency). This sequence change replaces leucine, which is neutral and non-polar, with valine, which is neutral and non-polar, at codon 727 of the KMT2B protein (p.Leu727Val). This variant has not been reported in the literature in individuals affected with KMT2B-related conditions. In summary, the available evidence is currently insufficient to determine the role of this variant in disease. Therefore, it has been classified as a Variant of Uncertain Significance. Advanced modeling of protein sequence and biophysical properties (such as structural, functional, and spatial information, amino acid conservation, physicochemical variation, residue mobility, and thermodynamic stability) performed at Invitae indicates that this missense variant is not expected to disrupt KMT2B protein function.

NM_014727.3(KMT2B):c.2179C>G (p.Leu727Val)

Gene: KMT2B (lysine methyltransferase 2B; plus strand). Cytogenetic location: 19q13.12.
Variant type: single nucleotide variant.
Coding change: c.2179C>G on transcript NM_014727.3 (MANE Select); coding-DNA position 2179, C replaced by G.
Protein change: p.Leu727Val; replaces leucine 727 with valine.
Molecular consequence: missense variant.
Genome position (GRCh38, 1-based): chr19:35,721,526, C>G. VCF-style: chr19-35721526-C-G. GRCh37 (hg19) VCF-style: chr19-36212428-C-G.
Other names: short protein forms L727V.
Identifiers: ClinVar variation 2867069 (VCV002867069.3), dbSNP rs1969208229, ClinGen allele CA405396878.